The following is an entry in ClinVar:

ClinVar aggregate classification (germline): Conflicting classifications of pathogenicity. Review status: criteria provided, conflicting classifications (1 of 4 stars). 2 submissions from 1 submitter: Uncertain significance (1); Likely benign (1). Last evaluated 2018-01-12.

Conditions:
Dilated cardiomyopathy 1J (CMD1J). Also called: CARDIOMYOPATHY, DILATED, WITH SENSORINEURAL HEARING LOSS, AUTOSOMAL DOMINANT. Identifiers: Orphanet 217622, MedGen C1854368, MONDO:0011541, OMIM 605362.
Autosomal dominant nonsyndromic hearing loss 10. Identifiers: Orphanet 90635, MedGen C1832476, MONDO:0011031, OMIM 601316.

Allele frequency attached by ClinVar (database versions not stated): gnomAD exomes 0.00005; gnomAD 0.00011 and 0.00016; TOPMed 0.00014; 1000 Genomes Project 30x 0.00078; 1000 Genomes Project 0.00100.
gnomAD v4.1: 91 of 1,295,542 alleles (0.007%); highest among the groups gnomAD compares: East Asian, 0.2%; 1 homozygote.

Submissions (2):

Illumina Laboratory Services, Illumina
Classification: Likely benign for Autosomal dominant nonsyndromic hearing loss 10. Last evaluated: 2018-01-12. Review status: criteria provided, single submitter. Criteria: ICSL Variant Classification Criteria 13 December 2019. Collection method: clinical testing. Allele origin: germline.
Comment: This variant was observed in the ICSL laboratory as part of a predisposition screen in an ostensibly healthy population. It had not been previously curated by ICSL or reported in the Human Gene Mutation Database (HGMD: prior to June 1st, 2018), and was therefore a candidate for classification through an automated scoring system. Utilizing variant allele frequency, disease prevalence and penetrance estimates, and inheritance mode, an automated score was calculated to assess if this variant is too frequent to cause the disease. Based on the score and internal cut-off values, a variant classified as likely benign is not then subjected to further curation. The score for this variant resulted in a classification of likely benign for this disease.

Illumina Laboratory Services, Illumina
Classification: Uncertain significance for Dilated cardiomyopathy 1J. Last evaluated: 2018-01-12. Review status: criteria provided, single submitter. Criteria: ICSL Variant Classification Criteria 13 December 2019. Collection method: clinical testing. Allele origin: germline.

NM_004100.5(EYA4):c.*2188T>A

Genes: EYA4 (EYA transcriptional coactivator and phosphatase 4; plus strand), TARID (TCF21 antisense RNA inducing promoter demethylation; minus strand). Cytogenetic location: 6q23.2.
Variant type: single nucleotide variant.
Coding change: c.*2188T>A on transcript NM_004100.5 (MANE Select); 2188 bases downstream of the stop codon, T replaced by A.
Molecular consequence: 3 prime UTR variant.
Genome position (GRCh38, 1-based): chr6:133,530,993, T>A. VCF-style: chr6-133530993-T-A. GRCh37 (hg19) VCF-style: chr6-133852131-T-A.
Other names: c.*2188T>A (NM_001301012.2, NM_001301013.2, NM_001370458.1 and 3 more transcripts).
Identifiers: ClinVar variation 355465 (VCV000355465.5), dbSNP rs376366555, ClinGen allele CA10621483.